The following is an entry in ClinVar:

ClinVar aggregate classification (germline): Uncertain significance. Review status: criteria provided, multiple submitters, no conflicts (2 of 4 stars). 2 submissions from 2 submitters: Uncertain significance (2). Last evaluated 2024-11-05.

Allele frequency attached by ClinVar (database versions not stated): gnomAD 0.00001; gnomAD exomes 0.00001; TOPMed 0.00002.
gnomAD v4.1: 20 of 1,613,852 alleles (0.0012%); highest among the groups gnomAD compares: Admixed American, 0.0033%; no homozygotes.

Submissions (2):

Labcorp Genetics (formerly Invitae), Labcorp
Classification: Uncertain significance. Last evaluated: 2024-11-05. Review status: criteria provided, single submitter. Criteria: Invitae Variant Classification Sherloc (09022015). Collection method: clinical testing. Allele origin: germline.
Comment: This sequence change replaces leucine, which is neutral and non-polar, with phenylalanine, which is neutral and non-polar, at codon 442 of the HSPG2 protein (p.Leu442Phe). This variant is present in population databases (no rsID available, gnomAD 0.003%). This variant has not been reported in the literature in individuals affected with HSPG2-related conditions. ClinVar contains an entry for this variant (Variation ID: 1351276). An algorithm developed to predict the effect of missense changes on protein structure and function (PolyPhen-2) suggests that this variant is likely to be disruptive. In summary, the available evidence is currently insufficient to determine the role of this variant in disease. Therefore, it has been classified as a Variant of Uncertain Significance.

Revvity Omics, Revvity
Classification: Uncertain significance. Last evaluated: 2019-12-12. Review status: criteria provided, single submitter. Criteria: ACMG Guidelines, 2015. Collection method: clinical testing. Allele origin: germline.

NM_005529.7(HSPG2):c.1324C>T (p.Leu442Phe)

Gene: HSPG2 (heparan sulfate proteoglycan 2; minus strand). Cytogenetic location: 1p36.12.
Variant type: single nucleotide variant.
Coding change: c.1324C>T on transcript NM_005529.7 (MANE Select); coding-DNA position 1324, C replaced by T.
Protein change: p.Leu442Phe; replaces leucine 442 with phenylalanine.
Molecular consequence: missense variant.
Genome position (GRCh38, 1-based): chr1:21,885,044, G>A on the plus strand (C>T on the coding strand, the complement: HSPG2 is on the minus strand). VCF-style: chr1-21885044-G-A. GRCh37 (hg19) VCF-style: chr1-22211537-G-A.
Other names: c.1324C>T, p.Leu442Phe (NM_001291860.2); c.1324C>T (NM_005529.5); short protein forms L442F.
Identifiers: ClinVar variation 1351276 (VCV001351276.8), dbSNP rs1356686122, ClinGen allele CA338967251.